The following is an entry in ClinVar:

NM_001844.5(COL2A1):c.1396G>T (p.Glu466Ter)

Gene: COL2A1 (collagen type II alpha 1 chain; minus strand). Cytogenetic location: 12q13.11.
Variant type: single nucleotide variant.
Coding change: c.1396G>T on transcript NM_001844.5 (MANE Select); coding-DNA position 1396, G replaced by T.
Protein change: p.Glu466Ter; replaces glutamic acid 466 with a stop codon.
Molecular consequence: nonsense.
Genome position (GRCh38, 1-based): chr12:47,986,858, C>A on the plus strand (G>T on the coding strand, the complement: COL2A1 is on the minus strand). VCF-style: chr12-47986858-C-A. GRCh37 (hg19) VCF-style: chr12-48380641-C-A.
Other names: c.1189G>T, p.Glu397Ter (NM_033150.3); short protein forms E397*, E466*.
Identifiers: ClinVar variation 1805217 (VCV001805217.1), dbSNP rs2540150852, ClinGen allele CA384553266.

ClinVar aggregate classification (germline): Pathogenic (1 of 4 stars; one submission).

Conditions:
Stickler syndrome type 1 (STL1). Also called: ARTHROOPHTHALMOPATHY, HEREDITARY PROGRESSIVE; COL2A1-Related Stickler Syndrome; STICKLER SYNDROME, MEMBRANOUS VITREOUS TYPE; STICKLER SYNDROME, VITREOUS TYPE 1. Identifiers: Orphanet 828, Orphanet 90653, MedGen C2020284, MONDO:0007160, OMIM 108300.

Submission:

Victorian Clinical Genetics Services, Murdoch Childrens Research Institute
Classification: Pathogenic for Stickler syndrome type 1. Last evaluated: 2022-02-02. Review status: criteria provided, single submitter. Criteria: ACMG Guidelines, 2015. Collection method: clinical testing. Allele origin: germline. Inheritance: Autosomal dominant inheritance.
Comment: Based on the classification scheme VCGS_Germline_v1.3.4, this variant is classified as Pathogenic. Following criteria are met: 0103 - Dominant negative and loss of function are known mechanisms of disease in this gene. Protein truncating variants leading to haploinsufficiency are typically associated with Stickler syndrome while variants affecting glycine residues exert a dominant negative effect and are commonly associated with spondyloepiphyseal dysplasia (PMIDs: 20179744, 15895462). (I) 0107 - This gene is associated with autosomal dominant disease. (I) 0201 - Variant is predicted to cause nonsense-mediated decay (NMD) and loss of protein (premature termination codon is located at least 54 nucleotides upstream of the final exon-exon junction). (SP) 0251 - This variant is heterozygous. (I) 0301 - Variant is absent from gnomAD (both v2 and v3). (SP) 0701 - Other NMD variants comparable to the one identified in this case have very strong previous evidence for pathogenicity (DECIPHER, ClinVar). (SP) 0807 - This variant has no previous evidence of pathogenicity. (I) 0905 - No published segregation evidence has been identified for this variant. (I) 1007 - No published functional evidence has been identified for this variant. (SP) Legend: (SP) - Supporting pathogenic, (I) - Information, (SB) - Supporting benign

Literature cited by the submitters: PubMed 15895462; PubMed 20179744.